The following is an entry in ClinVar:

ClinVar aggregate classification (germline): Pathogenic (1 of 4 stars; one submission).

Conditions:
Intellectual developmental disorder, X-linked, syndromic 14. Also called: Syndromic X-linked intellectual disability 14. Identifiers: Orphanet 776, MedGen C1970822, MONDO:0010398, OMIM 300676.

Submission:

Victorian Clinical Genetics Services, Murdoch Childrens Research Institute
Classification: Pathogenic for Intellectual developmental disorder, X-linked, syndromic 14. Last evaluated: 2021-05-06. Review status: criteria provided, single submitter. Criteria: ACMG Guidelines, 2015. Collection method: clinical testing. Allele origin: germline. Inheritance: X-linked recessive inheritance.
Comment: Based on the classification scheme VCGS_Germline_v1.3.4, this variant is classified as pathogenic. The following criteria are met: 0102 - Loss of function is a known mechanism of disease in this gene and is associated with X-linked UPF3B-related syndromic intellectual disability 14 (MIM#300676). (I) 0109 - This gene is associated with X-linked recessive disease. (I) 0201 - Variant is predicted to cause nonsense-mediated decay (NMD) and loss of protein (premature termination codon is located at least 54 nucleotides upstream of the final exon-exon junction). (SP) 0251 - This variant is heterozygous. (I) 0301 - Variant is absent from gnomAD (both v2 and v3). (SP) 0807 - This variant has no previous evidence of pathogenicity. (I) 0905 - No published segregation evidence has been identified for this variant. (I) 1007 - No published functional evidence has been identified for this variant. (I) 0701 - Other NMD-predicted variants comparable to the one identified in this case have very strong previous evidence for pathogenicity and have been reported with disease in at least 10 individuals or families with intellectual disability (Decipher, ClinVar, PMIDs: 17704778; 19238151; 22957832; 31737052). (SP) Legend: (SP) - Supporting pathogenic, (I) - Information, (SB) - Supporting benign

Literature cited by the submitters: PubMed 17704778; PubMed 19238151; PubMed 22957832; PubMed 31737052.

NM_080632.3(UPF3B):c.1166_1167del (p.Lys389fs)

Gene: UPF3B (UPF3B regulator of nonsense mediated mRNA decay; minus strand). Cytogenetic location: Xq24.
Variant type: Deletion.
Coding change: c.1166_1167del on transcript NM_080632.3 (MANE Select); coding-DNA positions 1166 to 1167, 2 bases deleted (AA; older notation c.1166_1167delAA).
Protein change: p.Lys389fs; shifts the reading frame from lysine 389.
Molecular consequence: frameshift variant.
Genome position (GRCh38, 1-based): chrX:119,837,892-119,837,893, TT deleted on the plus strand (AA on the coding strand, the reverse complement: UPF3B is on the minus strand); deleting any 2 consecutive bases within chrX:119,837,892-119,837,895 gives the same sequence; the c. name uses the placement nearest the transcript's 3' end. VCF-style (leftmost placement, unchanged base first): chrX-119837891-CTT-C. GRCh37 (hg19) VCF-style: chrX-118971854-CTT-C.
Other names: c.1127_1128del, p.Lys376fs (NM_023010.4); short protein forms K376fs, K389fs.
Identifiers: ClinVar variation 1699417 (VCV001699417.3), dbSNP rs2147783395, ClinGen allele CA1139771283.